The following is an entry in ClinVar:

NM_005476.7(GNE):c.2050C>T (p.Arg684Cys)

Gene: GNE (glucosamine (UDP-N-acetyl)-2-epimerase/N-acetylmannosamine kinase; minus strand). Cytogenetic location: 9p13.3.
Variant type: single nucleotide variant.
Coding change: c.2050C>T on transcript NM_005476.7 (MANE Select); coding-DNA position 2050, C replaced by T.
Protein change: p.Arg684Cys; replaces arginine 684 with cysteine.
Molecular consequence: missense variant.
Genome position (GRCh38, 1-based): chr9:36,217,484, G>A on the plus strand (C>T on the coding strand, the complement: GNE is on the minus strand). VCF-style: chr9-36217484-G-A. GRCh37 (hg19) VCF-style: chr9-36217481-G-A.
Other names: c.2143C>T, p.Arg715Cys (NM_001128227.3); c.1828C>T, p.Arg610Cys (NM_001190383.3); c.1720C>T, p.Arg574Cys (NM_001190384.3); c.1873C>T, p.Arg625Cys (NM_001190388.2, NM_001374798.1); c.1897C>T, p.Arg633Cys (NM_001374797.1); short protein forms R715C, R684C, R610C, R574C, R625C, R633C.
Identifiers: ClinVar variation 283051 (VCV000283051.17), dbSNP rs139347806, ClinGen allele CA5056362.

ClinVar aggregate classification (germline): Uncertain significance. Review status: criteria provided, multiple submitters, no conflicts (2 of 4 stars). 6 submissions from 6 submitters: Uncertain significance (5). 1 of the submissions does not count toward it. Last evaluated 2025-11-01.

Conditions:
Sialuria. Also called: SIALURIA, FRENCH TYPE; Sialic Acid Storage Disease. Identifiers: Orphanet 3166, MedGen C0342853, MONDO:0010028, OMIM 269921.
GNE myopathy (NM). Also called: INCLUSION BODY MYOPATHY, HEREDITARY, AUTOSOMAL RECESSIVE; INCLUSION BODY MYOPATHY 2, AUTOSOMAL RECESSIVE; MYOPATHY, DISTAL, WITH OR WITHOUT RIMMED VACUOLES; IBM 2; Inclusion body myopathy autosomal recessive; Inclusion body myopathy quadriceps sparing. Identifiers: Orphanet 602, MedGen C1853926, MONDO:0011603, OMIM 605820.

Allele frequency attached by ClinVar (database versions not stated): TOPMed 0.00002.

Submissions (6):

CeGaT Center for Human Genetics Tuebingen
Classification: Uncertain significance. Last evaluated: 2025-11-01. Review status: criteria provided, single submitter. Criteria: CeGaT Center For Human Genetics Tuebingen Variant Classification Criteria Version 2. Collection method: clinical testing. Allele origin: germline. Affected: yes. Observed: 1 variant allele.

Labcorp Genetics (formerly Invitae), Labcorp
Classification: Uncertain significance for Sialuria; GNE myopathy. Last evaluated: 2025-08-18. Review status: criteria provided, single submitter. Criteria: Invitae Variant Classification Sherloc (09022015). Collection method: clinical testing. Allele origin: germline.
Comment: This sequence change replaces arginine, which is basic and polar, with cysteine, which is neutral and slightly polar, at codon 715 of the GNE protein (p.Arg715Cys). This variant is present in population databases (rs139347806, gnomAD 0.006%). This variant has not been reported in the literature in individuals affected with GNE-related conditions. ClinVar contains an entry for this variant (Variation ID: 283051). Invitae Evidence Modeling of protein sequence and biophysical properties (such as structural, functional, and spatial information, amino acid conservation, physicochemical variation, residue mobility, and thermodynamic stability) has been performed for this missense variant. However, the output from this modeling did not meet the statistical confidence thresholds required to predict the impact of this variant on GNE protein function. In summary, the available evidence is currently insufficient to determine the role of this variant in disease. Therefore, it has been classified as a Variant of Uncertain Significance.

Blueprint Genetics
Classification: Uncertain significance. Last evaluated: 2024-09-05. Review status: criteria provided, single submitter. Criteria: ACMG Guidelines, 2015. Collection method: clinical testing. Allele origin: germline.

GeneDx
Classification: Uncertain significance. Last evaluated: 2019-04-02. Review status: criteria provided, single submitter. Criteria: GeneDx Variant Classification Process June 2021. Collection method: clinical testing. Allele origin: germline. Affected: yes.
Comment: In silico analysis, which includes protein predictors and evolutionary conservation, supports that this variant does not alter protein structure/function; Has not been previously published as pathogenic or benign to our knowledge

Eurofins Ntd Llc (ga)
Classification: Uncertain significance. Last evaluated: 2018-04-04. Review status: criteria provided, single submitter. Criteria: EGL ClinVar v180209 classification definitions. Collection method: clinical testing. Allele origin: germline. Observed: 3 variant alleles, 3 heterozygotes.

Natera, Inc.
Classification: Uncertain significance for Nonaka myopathy. Last evaluated: 2020-03-11. Review status: no assertion criteria provided. Collection method: clinical testing. Allele origin: germline. Not counted in ClinVar's aggregate classification.